The following is an entry in ClinVar:

ClinVar aggregate classification (germline): Uncertain significance (1 of 4 stars; one submission).

Conditions:
DOCK2 deficiency. Also called: Immunodeficiency 40. Identifiers: Orphanet 447737, MedGen C4225328, MONDO:0014637, OMIM 616433.

Allele frequency attached by ClinVar (database versions not stated): gnomAD 0.00001; gnomAD exomes 0.00001; TOPMed 0.00002.
gnomAD v4.1: 17 of 1,613,654 alleles (0.0011%); highest among the groups gnomAD compares: East Asian, 0.0022%; no homozygotes.

Submission:

Labcorp Genetics (formerly Invitae), Labcorp
Classification: Uncertain significance for DOCK2 deficiency. Last evaluated: 2022-04-25. Review status: criteria provided, single submitter. Criteria: Invitae Variant Classification Sherloc (09022015). Collection method: clinical testing. Allele origin: germline.
Comment: In summary, the available evidence is currently insufficient to determine the role of this variant in disease. Therefore, it has been classified as a Variant of Uncertain Significance. Algorithms developed to predict the effect of missense changes on protein structure and function are either unavailable or do not agree on the potential impact of this missense change (SIFT: "Deleterious"; PolyPhen-2: "Possibly Damaging"; Align-GVGD: "Class C0"). This variant has not been reported in the literature in individuals affected with DOCK2-related conditions. This variant is not present in population databases (gnomAD no frequency). This sequence change replaces arginine, which is basic and polar, with histidine, which is basic and polar, at codon 1632 of the DOCK2 protein (p.Arg1632His).

NM_004946.3(DOCK2):c.4895G>A (p.Arg1632His)

Gene: DOCK2 (dedicator of cytokinesis 2; plus strand). Cytogenetic location: 5q35.1.
Variant type: single nucleotide variant.
Coding change: c.4895G>A on transcript NM_004946.3 (MANE Select); coding-DNA position 4895, G replaced by A.
Protein change: p.Arg1632His; replaces arginine 1632 with histidine.
Molecular consequence: missense variant. On other transcripts: non-coding transcript variant (1).
Genome position (GRCh38, 1-based): chr5:170,077,738, G>A. VCF-style: chr5-170077738-G-A. GRCh37 (hg19) VCF-style: chr5-169504742-G-A.
Other names: short protein forms R1632H.
Identifiers: ClinVar variation 1927041 (VCV001927041.5), dbSNP rs1308884283, ClinGen allele CA362115585.